The following is an entry in ClinVar:

NM_002474.3(MYH11):c.3676A>G (p.Lys1226Glu)

Gene: MYH11 (myosin heavy chain 11; minus strand). Cytogenetic location: 16p13.11.
Variant type: single nucleotide variant.
Coding change: c.3676A>G on transcript NM_002474.3 (MANE Select); coding-DNA position 3676, A replaced by G.
Protein change: p.Lys1226Glu; replaces lysine 1226 with glutamic acid.
Molecular consequence: missense variant.
Genome position (GRCh38, 1-based): chr16:15,727,030, T>C on the plus strand (A>G on the coding strand, the complement: MYH11 is on the minus strand). VCF-style: chr16-15727030-T-C. GRCh37 (hg19) VCF-style: chr16-15820887-T-C.
Other names: c.3697A>G, p.Lys1233Glu (NM_001040113.2, NM_001040114.2); c.3676A>G, p.Lys1226Glu (NM_022844.3); short protein forms K1226E, K1233E.
Identifiers: ClinVar variation 839706 (VCV000839706.9), dbSNP rs2040800359, ClinGen allele CA394860291.
Genomic context (GRCh38, chr16:15,727,030, plus strand): 5'-CCTGGCCCAGGACCCGCAGCTCCCCGGCCAGGTCTGCGTTCTCTTTCTCCAGCGTCTGCT[T>C]ATTCTTGTCTAGGTTCGCCTTGGCCTGGCGAAGGAAGCAGAGGGGAGGGATAACAGGGAG-3'
Protein context (NP_002465.1, residues 1216-1236): KRAKANLDKN[Lys1226Glu]QTLEKENADL

ClinVar aggregate classification (germline): Uncertain significance (1 of 4 stars; one submission).

Conditions:
Aortic aneurysm, familial thoracic 4 (AAT4). Also called: AORTIC ANEURYSM/AORTIC DISSECTION AND PATENT DUCTUS ARTERIOSUS. Identifiers: MedGen C1851504, MONDO:0007568, OMIM 132900.

Submission:

Labcorp Genetics (formerly Invitae), Labcorp
Classification: Uncertain significance for Aortic aneurysm, familial thoracic 4. Last evaluated: 2019-03-30. Review status: criteria provided, single submitter. Criteria: Invitae Variant Classification Sherloc (09022015). Collection method: clinical testing. Allele origin: germline.
Comment: Algorithms developed to predict the effect of missense changes on protein structure and function are either unavailable or do not agree on the potential impact of this missense change (SIFT: "Deleterious"; PolyPhen-2: "Probably Damaging"; Align-GVGD: "Class C0"). In summary, the available evidence is currently insufficient to determine the role of this variant in disease. Therefore, it has been classified as a Variant of Uncertain Significance. This variant has not been reported in the literature in individuals with MYH11-related conditions. This variant is not present in population databases (ExAC no frequency). This sequence change replaces lysine with glutamic acid at codon 1233 of the MYH11 protein (p.Lys1233Glu). The lysine residue is highly conserved and there is a small physicochemical difference between lysine and glutamic acid.